The following is an entry in ClinVar:

ClinVar aggregate classification (germline): Uncertain significance. Review status: criteria provided, multiple submitters, no conflicts (2 of 4 stars). 2 submissions from 2 submitters: Uncertain significance (2). Last evaluated 2025-04-14.

Conditions:
Inborn genetic diseases. Identifiers: MedGen C0950123, MeSH D030342.

Allele frequency attached by ClinVar (database versions not stated): gnomAD exomes 0.00001; TOPMed 0.00001; ExAC 0.00004.
gnomAD v4.1: 7 of 1,205,000 alleles (0.00058%); highest among the groups gnomAD compares: Admixed American, 0.015%; no homozygotes.

Submissions (2):

Ambry Genetics
Classification: Uncertain significance for Inborn genetic diseases. Last evaluated: 2025-04-14. Review status: criteria provided, single submitter. Criteria: Ambry Variant Classification Scheme 2023. Collection method: clinical testing. Allele origin: germline.

Labcorp Genetics (formerly Invitae), Labcorp
Classification: Uncertain significance. Last evaluated: 2025-02-15. Review status: criteria provided, single submitter. Criteria: Invitae Variant Classification Sherloc (09022015). Collection method: clinical testing. Allele origin: germline.
Comment: This sequence change replaces asparagine, which is neutral and polar, with aspartic acid, which is acidic and polar, at codon 553 of the CHM protein (p.Asn553Asp). This variant is present in population databases (rs762958566, gnomAD 0.02%). This variant has not been reported in the literature in individuals affected with CHM-related conditions. ClinVar contains an entry for this variant (Variation ID: 2038225). Invitae Evidence Modeling of protein sequence and biophysical properties (such as structural, functional, and spatial information, amino acid conservation, physicochemical variation, residue mobility, and thermodynamic stability) indicates that this missense variant is not expected to disrupt CHM protein function with a negative predictive value of 80%. In summary, the available evidence is currently insufficient to determine the role of this variant in disease. Therefore, it has been classified as a Variant of Uncertain Significance.

NM_000390.4(CHM):c.1657A>G (p.Asn553Asp)

Gene: CHM (CHM Rab escort protein; minus strand). Cytogenetic location: Xq21.2.
Variant type: single nucleotide variant.
Coding change: c.1657A>G on transcript NM_000390.4 (MANE Select); coding-DNA position 1657, A replaced by G.
Protein change: p.Asn553Asp; replaces asparagine 553 with aspartic acid.
Molecular consequence: missense variant.
Genome position (GRCh38, 1-based): chrX:85,873,165, T>C on the plus strand (A>G on the coding strand, the complement: CHM is on the minus strand). VCF-style: chrX-85873165-T-C. GRCh37 (hg19) VCF-style: chrX-85128170-T-C.
Other names: c.1213A>G, p.Asn405Asp (NM_001320959.1, NM_001362517.1, NM_001362518.2 and 1 more transcripts); short protein forms N553D, N405D.
Identifiers: ClinVar variation 2038225 (VCV002038225.4), dbSNP rs762958566, ClinGen allele CA10465332.